The following is an entry in ClinVar:

NM_000135.4(FANCA):c.1445C>G (p.Pro482Arg)

Gene: FANCA (FA complementation group A; minus strand). Cytogenetic location: 16q24.3.
Variant type: single nucleotide variant.
Coding change: c.1445C>G on transcript NM_000135.4 (MANE Select); coding-DNA position 1445, C replaced by G.
Protein change: p.Pro482Arg; replaces proline 482 with arginine.
Molecular consequence: missense variant.
Genome position (GRCh38, 1-based): chr16:89,784,879, G>C on the plus strand (C>G on the coding strand, the complement: FANCA is on the minus strand). VCF-style: chr16-89784879-G-C. GRCh37 (hg19) VCF-style: chr16-89851287-G-C.
Other names: c.1445C>G (LRG_495t1, NM_000135.3); c.1445C>G, p.Pro482Arg (NM_001286167.3); short protein forms P482R.
Identifiers: ClinVar variation 659338 (VCV000659338.8), dbSNP rs768676657, ClinGen allele CA8252336.

ClinVar aggregate classification (germline): Uncertain significance. Review status: criteria provided, multiple submitters, no conflicts (2 of 4 stars). 4 submissions from 4 submitters: Uncertain significance (3). 1 of the submissions does not count toward it. Last evaluated 2024-07-11.

Conditions:
Fanconi anemia (FA). Also called: Fanconi's anemia. Identifiers: Orphanet 84, MedGen C0015625, MeSH D005199, MONDO:0019391.
Fanconi anemia complementation group A (FANCA). Also called: FANCA-Related Fanconi Anemia; Fanconi anemia, group A. Identifiers: Orphanet 84, MedGen C3469521, MONDO:0009215, OMIM 227650.

Allele frequency attached by ClinVar (database versions not stated): ExAC 0.00002; gnomAD exomes 0.00002 and 0.00003; TOPMed 0.00004; gnomAD 0.00005 and 0.00006.
gnomAD v4.1: 46 of 1,613,998 alleles (0.0029%); highest among the groups gnomAD compares: Non-Finnish European, 0.0039%; no homozygotes.

Submissions (4):

Labcorp Genetics (formerly Invitae), Labcorp
Classification: Uncertain significance for Fanconi anemia. Last evaluated: 2024-07-11. Review status: criteria provided, single submitter. Criteria: Invitae Variant Classification Sherloc (09022015). Collection method: clinical testing. Allele origin: germline.
Comment: This sequence change replaces proline, which is neutral and non-polar, with arginine, which is basic and polar, at codon 482 of the FANCA protein (p.Pro482Arg). This variant is present in population databases (rs768676657, gnomAD 0.005%). This missense change has been observed in individual(s) with acute lymphoblastic leukemia (PMID: 31102422). ClinVar contains an entry for this variant (Variation ID: 659338). Advanced modeling of protein sequence and biophysical properties (such as structural, functional, and spatial information, amino acid conservation, physicochemical variation, residue mobility, and thermodynamic stability) performed at Invitae indicates that this missense variant is expected to disrupt FANCA protein function with a positive predictive value of 80%. In summary, the available evidence is currently insufficient to determine the role of this variant in disease. Therefore, it has been classified as a Variant of Uncertain Significance.

Women's Health and Genetics/Laboratory Corporation of America, LabCorp
Classification: Uncertain significance. Last evaluated: 2022-06-08. Review status: criteria provided, single submitter. Criteria: LabCorp Variant Classification Summary - May 2015. Collection method: clinical testing. Allele origin: germline.
Comment: Variant summary: FANCA c.1445C>G (p.Pro482Arg) results in a non-conservative amino acid change located in the Fanconi anaemia group A protein, N-terminal domain of the encoded protein sequence. Five of five in-silico tools predict a damaging effect of the variant on protein function. The variant allele was found at a frequency of 2e-05 in 251434 control chromosomes. The available data on variant occurrences in the general population are insufficient to allow any conclusion about variant significance. c.1445C>G has been reported in the literature in settings of multigene testing in individuals affected with pediatric acute lymphoblastic leukemia (example Zhang_2015, de Smith_2019). However, to our knowledge the variant has not been reported in individuals affected with Fanconi Anemia and no experimental evidence demonstrating an impact on protein function has been reported. Two clinical diagnostic laboratories have submitted clinical-significance assessments for this variant to ClinVar after 2014 and both classified the variant as uncertain significance. Based on the evidence outlined above, the variant was classified as uncertain significance.

Quest Diagnostics Nichols Institute San Juan Capistrano
Classification: Uncertain significance. Last evaluated: 2021-08-09. Review status: criteria provided, single submitter. Criteria: Quest Diagnostics criteria. Collection method: clinical testing. Allele origin: unknown.

Natera, Inc.
Classification: Uncertain significance for Fanconi anemia, group A. Last evaluated: 2020-09-16. Review status: no assertion criteria provided. Collection method: clinical testing. Allele origin: germline. Not counted in ClinVar's aggregate classification.

Literature cited by the submitters: PubMed 31102422 (cited by 3 submitters); PubMed 26580448 (cited by Women's Health and Genetics/Laboratory Corporation of America, LabCorp).